The following is an entry in ClinVar:

NM_000070.3(CAPN3):c.380-2A>G

Genes: CAPN3 (calpain 3; plus strand), LOC126862115 (BRD4-independent group 4 enhancer GRCh37_chr15:42677734-42678933; plus strand). Cytogenetic location: 15q15.1.
Variant type: single nucleotide variant.
Coding change: c.380-2A>G on transcript NM_000070.3 (MANE Select); the canonical splice acceptor site of the intron before coding-DNA position 380, A replaced by G.
Molecular consequence: splice acceptor variant.
Genome position (GRCh38, 1-based): chr15:42,386,165, A>G. VCF-style: chr15-42386165-A-G. GRCh37 (hg19) VCF-style: chr15-42678363-A-G.
Other names: c.380-2A>G (NM_024344.2, NM_173087.2).
Identifiers: ClinVar variation 2098863 (VCV002098863.4), dbSNP rs2548255667, ClinGen allele CA391997457.
Genomic context (GRCh38, chr15:42,386,165, plus strand): 5'-GGGCTTTTTCTTCCCAGGAGGAGCAGGAGTGCTCACGATCTGTGCCCTGTGTCTGCCTGC[A>G]GGGGACTGCTGGTTTCTCGCAGCCATTGCCTGCCTGACCCTGAACCAGCACCTTCTTTTC-3'

ClinVar aggregate classification (germline): Pathogenic (1 of 4 stars; one submission).

Conditions:
Autosomal recessive limb-girdle muscular dystrophy type 2A (LGMDR1). Also called: Muscular dystrophy, limb-girdle, type 2A, Amish; LEYDEN-MOEBIUS MUSCULAR DYSTROPHY; MUSCULAR DYSTROPHY, PELVOFEMORAL; Limb-girdle muscular dystrophy, type 2A; Calpainopathy. Identifiers: Orphanet 267, MedGen C1869123, MONDO:0009675, OMIM 253600. Disease mechanism: loss of function.

Submission:

Labcorp Genetics (formerly Invitae), Labcorp
Classification: Pathogenic for Autosomal recessive limb-girdle muscular dystrophy type 2A. Last evaluated: 2022-07-14. Review status: criteria provided, single submitter. Criteria: Invitae Variant Classification Sherloc (09022015). Collection method: clinical testing. Allele origin: germline.
Comment: This sequence change affects an acceptor splice site in intron 2 of the CAPN3 gene. It is expected to disrupt RNA splicing. Variants that disrupt the donor or acceptor splice site typically lead to a loss of protein function (PMID: 16199547), and loss-of-function variants in CAPN3 are known to be pathogenic (PMID: 10330340, 15689361). This variant is not present in population databases (gnomAD no frequency). Disruption of this splice site has been observed in individuals with clinical features of autosomal recessive limb-girdle muscular dystrophy (PMID: 17994539, 33250842; Invitae). Algorithms developed to predict the effect of sequence changes on RNA splicing suggest that this variant may disrupt the consensus splice site. For these reasons, this variant has been classified as Pathogenic.

Literature cited by the submitters: PubMed 16199547; PubMed 10330340; PubMed 15689361; PubMed 17994539; PubMed 33250842.